The following is an entry in ClinVar:

NM_007294.4(BRCA1):c.4987-10T>A

Gene: BRCA1 (BRCA1 DNA repair associated; minus strand). Cytogenetic location: 17q21.31.
Variant type: single nucleotide variant.
Coding change: c.4987-10T>A on transcript NM_007294.4 (MANE Select); 10 bases into the intron before coding-DNA position 4987, T replaced by A.
Molecular consequence: intron variant.
Genome position (GRCh38, 1-based): chr17:43,067,705, A>T on the plus strand (T>A on the coding strand, the complement: BRCA1 is on the minus strand). VCF-style: chr17-43067705-A-T. GRCh37 (hg19) VCF-style: chr17-41219722-A-T.
Other names: c.839-3754T>A (NM_001408514.1); c.1465-10T>A (NM_001408485.1, NM_001408483.1, NM_001408491.1 and 5 more transcripts); c.4774-10T>A (NM_001407908.1, NM_001407898.1, NM_001407894.1 and 12 more transcripts); c.4777-10T>A (NM_001407882.1, NM_001407885.1, NM_001407886.1 and 5 more transcripts); c.1549-10T>A (NM_001408447.1, NM_001408446.1, NM_001408448.1 and 2 more transcripts); c.1552-10T>A (NM_001408433.1, NM_001408441.1, NM_001408437.1 and 10 more transcripts); c.4855-10T>A (NM_001407690.1, NM_001407691.1); c.4858-10T>A (NM_001407687.1, NM_001407941.1, NM_001407683.1 and 6 more transcripts); and 71 more.
Identifiers: ClinVar variation 868088 (VCV000868088.3), dbSNP rs1555579828, ClinGen allele CA916080180.

Conditions:
Breast-ovarian cancer, familial, susceptibility to, 1 (BROVCA1). Also called: BRCA1 Hereditary Breast and Ovarian Cancer; OVARIAN CANCER, SUSCEPTIBILITY TO. Identifiers: Orphanet 145, MedGen C2676676, MONDO:0011450, OMIM 604370. Disease mechanism: loss of function.

Submission:

Brotman Baty Institute, University of Washington
No classification provided (evidence only). Condition: Breast-ovarian cancer, familial 1. Review status: no classification provided. Collection method: in vitro. Allele origin: not applicable. Functional consequence: functionally_normal.
ClinVar note: "not provided" was previously submitted as the classification for the variant. However, the classification appeared to be based only on an observation of functional data so it was converted to no classification on 2025-07-30.